The following is an entry in ClinVar:

ClinVar aggregate classification (germline): Uncertain significance. Review status: criteria provided, multiple submitters, no conflicts (2 of 4 stars). 2 submissions from 2 submitters: Uncertain significance (2). Last evaluated 2025-05-05.

Conditions:
Inborn genetic diseases. Identifiers: MedGen C0950123, MeSH D030342.

Allele frequency attached by ClinVar (database versions not stated): TOPMed 0.00001; gnomAD exomes below 0.00001.
gnomAD v4.1: 3 of 1,601,370 alleles (0.00019%); highest among the groups gnomAD compares: Non-Finnish European, 0.00017%; no homozygotes.

Submissions (2):

Ambry Genetics
Classification: Uncertain significance for Inborn genetic diseases. Last evaluated: 2025-05-05. Review status: criteria provided, single submitter. Criteria: Ambry Variant Classification Scheme 2023. Collection method: clinical testing. Allele origin: germline.

Labcorp Genetics (formerly Invitae), Labcorp
Classification: Uncertain significance. Last evaluated: 2022-02-17. Review status: criteria provided, single submitter. Criteria: Invitae Variant Classification Sherloc (09022015). Collection method: clinical testing. Allele origin: germline.
Comment: This sequence change replaces valine, which is neutral and non-polar, with phenylalanine, which is neutral and non-polar, at codon 2624 of the DMXL2 protein (p.Val2624Phe). This variant is present in population databases (no rsID available, gnomAD 0.0009%). This variant has not been reported in the literature in individuals affected with DMXL2-related conditions. Algorithms developed to predict the effect of missense changes on protein structure and function are either unavailable or do not agree on the potential impact of this missense change (SIFT: "Tolerated"; PolyPhen-2: "Possibly Damaging"; Align-GVGD: "Class C0"). In summary, the available evidence is currently insufficient to determine the role of this variant in disease. Therefore, it has been classified as a Variant of Uncertain Significance.

NM_001378457.1(DMXL2):c.7870G>T (p.Val2624Phe)

Gene: DMXL2 (Dmx like 2; minus strand). Cytogenetic location: 15q21.2.
Variant type: single nucleotide variant.
Coding change: c.7870G>T on transcript NM_001378457.1 (MANE Select); coding-DNA position 7870, G replaced by T.
Protein change: p.Val2624Phe; replaces valine 2624 with phenylalanine.
Molecular consequence: missense variant. On other transcripts: non-coding transcript variant (1).
Genome position (GRCh38, 1-based): chr15:51,463,435, C>A on the plus strand (G>T on the coding strand, the complement: DMXL2 is on the minus strand). VCF-style: chr15-51463435-C-A. GRCh37 (hg19) VCF-style: chr15-51755632-C-A.
Other names: c.7870G>T, p.Val2624Phe (NM_001174116.3, NM_001378461.1); c.5959G>T, p.Val1987Phe (NM_001174117.3); c.7867G>T, p.Val2623Phe (NM_001378458.1, NM_001378462.1, NM_015263.5); c.7582G>T, p.Val2528Phe (NM_001378459.1); c.5848G>T, p.Val1950Phe (NM_001378460.1); c.7668G>T, p.Arg2556Ser (NM_001378463.1); c.7627G>T, p.Val2543Phe (NM_001378464.1); c.7870G>T (NM_001174116.1); short protein forms V1950F, V2623F, V2528F, V2543F, V2624F, R2556S, V1987F.
Identifiers: ClinVar variation 2098358 (VCV002098358.2), dbSNP rs953130755, ClinGen allele CA270585255.